The following is an entry in ClinVar:

NM_015425.6(POLR1A):c.1196A>G (p.Asn399Ser)

Gene: POLR1A (RNA polymerase I subunit A; minus strand). Cytogenetic location: 2p11.2.
Variant type: single nucleotide variant.
Coding change: c.1196A>G on transcript NM_015425.6 (MANE Select); coding-DNA position 1196, A replaced by G.
Protein change: p.Asn399Ser; replaces asparagine 399 with serine.
Molecular consequence: missense variant.
Genome position (GRCh38, 1-based): chr2:86,078,175, T>C on the plus strand (A>G on the coding strand, the complement: POLR1A is on the minus strand). VCF-style: chr2-86078175-T-C. GRCh37 (hg19) VCF-style: chr2-86305298-T-C.
Other names: short protein forms N399S.
Identifiers: ClinVar variation 3781700 (VCV003781700.2).

ClinVar aggregate classification (germline): Uncertain significance. Review status: criteria provided, multiple submitters, no conflicts (2 of 4 stars). 2 submissions from 2 submitters: Uncertain significance (2). Last evaluated 2025-12-14.

Conditions:
Inborn genetic diseases. Identifiers: MedGen C0950123, MeSH D030342.

gnomAD v4.1: 3 of 1,613,502 alleles (0.00019%); highest among the groups gnomAD compares: African/African-American, 0.0027%; no homozygotes.

Submissions (2):

Labcorp Genetics (formerly Invitae), Labcorp
Classification: Uncertain significance. Last evaluated: 2025-12-14. Review status: criteria provided, single submitter. Criteria: Invitae Variant Classification Sherloc (09022015). Collection method: clinical testing. Allele origin: germline.
Comment: This sequence change replaces asparagine, which is neutral and polar, with serine, which is neutral and polar, at codon 399 of the POLR1A protein (p.Asn399Ser). This variant is present in population databases (rs779511510, gnomAD 0.007%). This variant has not been reported in the literature in individuals affected with POLR1A-related conditions. ClinVar contains an entry for this variant (Variation ID: 3781700). Invitae Evidence Modeling of protein sequence and biophysical properties (such as structural, functional, and spatial information, amino acid conservation, physicochemical variation, residue mobility, and thermodynamic stability) indicates that this missense variant is expected to disrupt POLR1A protein function with a positive predictive value of 80%. In summary, the available evidence is currently insufficient to determine the role of this variant in disease. Therefore, it has been classified as a Variant of Uncertain Significance.

Ambry Genetics
Classification: Uncertain significance for Inborn genetic diseases. Last evaluated: 2025-01-02. Review status: criteria provided, single submitter. Criteria: Ambry Variant Classification Scheme 2023. Collection method: clinical testing. Allele origin: germline.